The following is an entry in ClinVar:

ClinVar aggregate classification (germline): Benign. Review status: criteria provided, multiple submitters, no conflicts (2 of 4 stars). 4 submissions from 3 submitters: Benign (4). Last evaluated 2021-07-14.

Conditions:
Autosomal recessive limb-girdle muscular dystrophy type 2A (LGMDR1). Also called: Limb-girdle muscular dystrophy, type 2A; Calpainopathy; Muscular dystrophy, limb-girdle, type 2A, Amish; LEYDEN-MOEBIUS MUSCULAR DYSTROPHY; MUSCULAR DYSTROPHY, PELVOFEMORAL. Identifiers: Orphanet 267, MedGen C1869123, MONDO:0009675, OMIM 253600. Disease mechanism: loss of function.
Muscular dystrophy, limb-girdle, autosomal dominant 4. Also called: MUSCULAR DYSTROPHY, LIMB-GIRDLE, TYPE 1I; Calpain-3-related limb-girdle muscular dystrophy D4. Identifiers: Orphanet 565909, MedGen C4748295, MONDO:0029133, OMIM 618129.

Allele frequency attached by ClinVar (database versions not stated): gnomAD 0.76392 and 0.77192; TOPMed 0.77646; gnomAD exomes 0.70181; 1000 Genomes Project 0.72784; 1000 Genomes Project 30x 0.73829.
gnomAD v4.1: 788,654 of 1,109,212 alleles (71%); highest among the groups gnomAD compares: African/African-American, 93%; 284,280 homozygotes.

Submissions (4):

Genome-Nilou Lab
Classification: Benign for Muscular dystrophy, limb-girdle, autosomal dominant 4. Last evaluated: 2021-07-14. Review status: criteria provided, single submitter. Criteria: ACMG Guidelines, 2015. Collection method: clinical testing. Allele origin: germline. Affected: no.

Genome-Nilou Lab
Classification: Benign for Autosomal recessive limb-girdle muscular dystrophy type 2A. Last evaluated: 2021-07-14. Review status: criteria provided, single submitter. Criteria: ACMG Guidelines, 2015. Collection method: clinical testing. Allele origin: germline. Affected: no.

GeneDx
Classification: Benign. Last evaluated: 2018-06-14. Review status: criteria provided, single submitter. Criteria: GeneDx Variant Classification (06012015). Collection method: clinical testing. Allele origin: germline. Affected: yes.
Comment: This variant is considered likely benign or benign based on one or more of the following criteria: it is a conservative change, it occurs at a poorly conserved position in the protein, it is predicted to be benign by multiple in silico algorithms, and/or has population frequency not consistent with disease.

Breakthrough Genomics
Classification: Benign. Review status: criteria provided, single submitter. Criteria: ACMG Guidelines, 2015. Collection method: not provided. Allele origin: germline. Inheritance: Autosomal recessive inheritance. Affected: yes.

NM_000070.3(CAPN3):c.1992+110T>C

Gene: CAPN3 (calpain 3; plus strand). Cytogenetic location: 15q15.1.
Variant type: single nucleotide variant.
Coding change: c.1992+110T>C on transcript NM_000070.3 (MANE Select); 110 bases into the intron after coding-DNA position 1992, T replaced by C.
Molecular consequence: intron variant.
Genome position (GRCh38, 1-based): chr15:42,409,490, T>C. VCF-style: chr15-42409490-T-C. GRCh37 (hg19) VCF-style: chr15-42701688-T-C.
Other names: c.1974+110T>C (NM_024344.2); c.1716+110T>C (NM_173087.2); c.456+110T>C (NM_173088.2); c.-4+110T>C (NM_173090.2, NM_173089.2).
Identifiers: ClinVar variation 678278 (VCV000678278.5), dbSNP rs3115883, ClinGen allele CA14117327.